The following is an entry in ClinVar:

ClinVar aggregate classification (germline): Uncertain significance. Review status: criteria provided, multiple submitters, no conflicts (2 of 4 stars). 2 submissions from 2 submitters: Uncertain significance (2). Last evaluated 2024-06-04.

Conditions:
Hereditary breast ovarian cancer syndrome. Also called: Breast and ovarian cancer; Hereditary breast and ovarian cancer syndrome (HBOC); BRCA1- and BRCA2-Associated Hereditary Breast and Ovarian Cancer; Hereditary breast and ovarian cancer syndrome; Hereditary breast and/or ovarian cancer syndrome; Hereditary breast and ovarian cancer. Identifiers: Orphanet 145, MedGen C0677776, MeSH D061325, MONDO:0003582. Disease mechanism: loss of function.
Familial cancer of breast. Also called: BREAST CANCER, FAMILIAL; hereditary breast carcinoma; Hereditary breast cancer. Identifiers: Orphanet 227535, MedGen C0346153, MONDO:0016419, OMIM 114480. Disease mechanism: loss of function.
Fanconi anemia complementation group J. Also called: BRIP1-Related Fanconi Anemia. Identifiers: Orphanet 84, MedGen C1836860, MONDO:0012187, OMIM 609054.

Submissions (2):

Labcorp Genetics (formerly Invitae), Labcorp
Classification: Uncertain significance for Familial cancer of breast; Fanconi anemia complementation group J. Last evaluated: 2024-06-04. Review status: criteria provided, single submitter. Criteria: Invitae Variant Classification Sherloc (09022015). Collection method: clinical testing. Allele origin: germline.
Comment: This variant, c.2303_2308del, results in the deletion of 2 amino acid(s) of the BRIP1 protein (p.Gly768_Leu769del), but otherwise preserves the integrity of the reading frame. This variant is not present in population databases (gnomAD no frequency). This variant has not been reported in the literature in individuals affected with BRIP1-related conditions. Experimental studies and prediction algorithms are not available or were not evaluated, and the functional significance of this variant is currently unknown. In summary, the available evidence is currently insufficient to determine the role of this variant in disease. Therefore, it has been classified as a Variant of Uncertain Significance.

Department of Pathology and Laboratory Medicine, Sinai Health System
Classification: Uncertain significance for Hereditary breast ovarian cancer syndrome. Last evaluated: 2021-11-22. Review status: criteria provided, single submitter. Criteria: ACMG Guidelines, 2015. Collection method: clinical testing. Allele origin: germline. Affected: yes.

NM_032043.3(BRIP1):c.2303_2308del (p.Gly768_Leu769del)

Gene: BRIP1 (BRCA1 interacting DNA helicase 1; minus strand). Cytogenetic location: 17q23.2.
Variant type: Deletion.
Coding change: c.2303_2308del on transcript NM_032043.3 (MANE Select); coding-DNA positions 2303 to 2308, 6 bases deleted (GTCTGG; older notation c.2303_2308delGTCTGG).
Protein change: p.Gly768_Leu769del.
Molecular consequence: inframe deletion.
Genome position (GRCh38, 1-based): chr17:61,743,084-61,743,089, CCAGAC deleted on the plus strand (GTCTGG on the coding strand, the reverse complement: BRIP1 is on the minus strand); deleting any 6 consecutive bases within chr17:61,743,084-61,743,091 gives the same sequence; the c. name uses the placement nearest the transcript's 3' end. VCF-style (leftmost placement, unchanged base first): chr17-61743083-TCCAGAC-T. GRCh37 (hg19) VCF-style: chr17-59820444-TCCAGAC-T.
Identifiers: ClinVar variation 2953826 (VCV002953826.4), dbSNP rs2544827059, ClinGen allele CA2740093848.